The following is an entry in ClinVar:

ClinVar aggregate classification (germline): Pathogenic (1 of 4 stars; one submission).

Conditions:
Marfan syndrome (MFS). Also called: MARFAN SYNDROME, TYPE I; Marfan syndrome type 1; Marfan's syndrome; Marfan syndrome, classic; FBN1-Related Marfan Syndrome. Identifiers: Orphanet 284963, Orphanet 558, MedGen C0024796, MONDO:0007947, OMIM 154700.
Familial thoracic aortic aneurysm and aortic dissection (TAAD). Also called: Thoracic aortic aneurysms and dissections. Identifiers: Orphanet 91387, MedGen C4707243, MONDO:0019625.

Submission:

Labcorp Genetics (formerly Invitae), Labcorp
Classification: Pathogenic for Marfan syndrome; Familial thoracic aortic aneurysm and aortic dissection. Last evaluated: 2023-06-16. Review status: criteria provided, single submitter. Criteria: Invitae Variant Classification Sherloc (09022015). Collection method: clinical testing. Allele origin: germline.
Comment: For these reasons, this variant has been classified as Pathogenic. This variant disrupts a region of the FBN1 protein in which other variant(s) (p.Gln2867*) have been determined to be pathogenic (PMID: 19293843). This suggests that this is a clinically significant region of the protein, and that variants that disrupt it are likely to be disease-causing. This variant has not been reported in the literature in individuals affected with FBN1-related conditions. This variant is not present in population databases (gnomAD no frequency). This sequence change creates a premature translational stop signal (p.Ala2754Glnfs*25) in the FBN1 gene. While this is not anticipated to result in nonsense mediated decay, it is expected to disrupt the last 118 amino acid(s) of the FBN1 protein.

Literature cited by the submitters: PubMed 19293843.

NM_000138.5(FBN1):c.8260del (p.Ala2754fs)

Gene: FBN1 (fibrillin 1; minus strand). Cytogenetic location: 15q21.1.
Variant type: Deletion.
Coding change: c.8260del on transcript NM_000138.5 (MANE Select); coding-DNA position 8260, one base deleted (G; older notation c.8260delG).
Protein change: p.Ala2754fs; shifts the reading frame from alanine 2754.
Molecular consequence: frameshift variant.
Genome position (GRCh38, 1-based): chr15:48,411,346, C deleted on the plus strand (G on the coding strand, the reverse complement: FBN1 is on the minus strand). VCF-style (leftmost placement, unchanged base first): chr15-48411345-GC-G. GRCh37 (hg19) VCF-style: chr15-48703542-GC-G.
Other names: c.8260del, p.Ala2754fs (NM_001406716.1); short protein forms A2754fs.
Identifiers: ClinVar variation 2948925 (VCV002948925.3), dbSNP rs2505371763, ClinGen allele CA2740096561.
Genomic context (GRCh38, chr15:48,411,345, plus strand): 5'-TTGTTACTGACGTGGGAAATATTGAAAGCAAAGATGGCTGTCTTCTCAACATCCCAACTT[GC>G]AAGACTCACATTGGCTTCTGTCTCAGACTGATCCTGGAAAGACACATGGCAATATGTTAA-3'